The following is an entry in ClinVar:

ClinVar aggregate classification (germline): Uncertain significance (1 of 4 stars; one submission).

gnomAD v4.1: 2 of 1,614,080 alleles (0.00012%); highest among the groups gnomAD compares: Non-Finnish European, 0.00017%; no homozygotes.

Submission:

Labcorp Genetics (formerly Invitae), Labcorp
Classification: Uncertain significance. Last evaluated: 2025-05-14. Review status: criteria provided, single submitter. Criteria: Invitae Variant Classification Sherloc (09022015). Collection method: clinical testing. Allele origin: germline.
Comment: This sequence change replaces aspartic acid, which is acidic and polar, with glycine, which is neutral and non-polar, at codon 526 of the HYOU1 protein (p.Asp526Gly). This variant is not present in population databases (gnomAD no frequency). This variant has not been reported in the literature in individuals affected with HYOU1-related conditions. An algorithm developed to predict the effect of missense changes on protein structure and function (PolyPhen-2) suggests that this variant is likely to be tolerated. In summary, the available evidence is currently insufficient to determine the role of this variant in disease. Therefore, it has been classified as a Variant of Uncertain Significance.

NM_006389.5(HYOU1):c.1577A>G (p.Asp526Gly)

Gene: HYOU1 (hypoxia up-regulated 1; minus strand). Cytogenetic location: 11q23.3.
Variant type: single nucleotide variant.
Coding change: c.1577A>G on transcript NM_006389.5 (MANE Select); coding-DNA position 1577, A replaced by G.
Protein change: p.Asp526Gly; replaces aspartic acid 526 with glycine.
Molecular consequence: missense variant.
Genome position (GRCh38, 1-based): chr11:119,051,123, T>C on the plus strand (A>G on the coding strand, the complement: HYOU1 is on the minus strand). VCF-style: chr11-119051123-T-C. GRCh37 (hg19) VCF-style: chr11-118921835-T-C.
Other names: c.1577A>G, p.Asp526Gly (NM_001130991.3, NM_001411041.1); short protein forms D526G.
Identifiers: ClinVar variation 4810673 (VCV004810673.1).
Genomic context (GRCh38, chr11:119,051,123, plus strand): 5'-TCCAGGTTGAAGTGAGCCTTGATGCCCTTGGACTCGTAGTCAGGATACTTCTTGAAGCTG[T>C]CACCCACCCCTTTTAGCTTCACTGTGGTCAGATTCTGGGAGCCAAATACCCTGGTTGGGA-3'
Protein context (NP_006380.1, residues 516-536): LTTVKLKGVG[Asp526Gly]SFKKYPDYES